The following is an entry in ClinVar:

NM_001371727.1(GABRB2):c.1202A>G (p.His401Arg)

Gene: GABRB2 (gamma-aminobutyric acid type A receptor subunit beta2; minus strand). Cytogenetic location: 5q34.
Variant type: single nucleotide variant.
Coding change: c.1202A>G on transcript NM_001371727.1 (MANE Select); coding-DNA position 1202, A replaced by G.
Protein change: p.His401Arg; replaces histidine 401 with arginine.
Molecular consequence: missense variant.
Genome position (GRCh38, 1-based): chr5:161,294,418, T>C on the plus strand (A>G on the coding strand, the complement: GABRB2 is on the minus strand). VCF-style: chr5-161294418-T-C. GRCh37 (hg19) VCF-style: chr5-160721425-T-C.
Other names: c.1088A>G, p.His363Arg (NM_000813.3); c.1202A>G, p.His401Arg (NM_021911.3); short protein forms H401R, H363R.
Identifiers: ClinVar variation 450931 (VCV000450931.8), dbSNP rs1435021718, ClinGen allele CA362173648.
Genomic context (GRCh38, chr5:161,294,418, plus strand): 5'-ACAGCCTCAGATGTGGCCATTTCATTTTTTATCTCGAGAGTGCTCAGTAAGATGTTCTCA[T>C]GGGGGTCCATCTGCAAGGGAAGAGAATCAAAAAGACAATCAGAACAATGAAGCTTTACAG-3'
Protein context (NP_001358656.1, residues 391-411): YDFSLYTMDP[His401Arg]ENILLSTLEI

ClinVar aggregate classification (germline): Uncertain significance. Review status: criteria provided, multiple submitters, no conflicts (2 of 4 stars). 3 submissions from 3 submitters: Uncertain significance (3). Last evaluated 2024-09-30.

Conditions:
Intellectual disability. Also called: Intellectual developmental disorder; Intellectual functioning disability; intellectual disabilities. Identifiers: MedGen C3714756, MeSH D008607, MONDO:0001071, HP:0001249.

Allele frequency attached by ClinVar (database versions not stated): gnomAD 0.00002.
gnomAD v4.1: 3 of 1,611,328 alleles (0.00019%); highest among the groups gnomAD compares: African/African-American, 0.004%; no homozygotes.

Submissions (3):

Labcorp Genetics (formerly Invitae), Labcorp
Classification: Uncertain significance for Intellectual disability. Last evaluated: 2024-09-30. Review status: criteria provided, single submitter. Criteria: Invitae Variant Classification Sherloc (09022015). Collection method: clinical testing. Allele origin: germline.
Comment: This sequence change replaces histidine, which is basic and polar, with arginine, which is basic and polar, at codon 401 of the GABRB2 protein (p.His401Arg). This variant is present in population databases (no rsID available, gnomAD 0.01%). This variant has not been reported in the literature in individuals affected with GABRB2-related conditions. ClinVar contains an entry for this variant (Variation ID: 450931). Invitae Evidence Modeling of protein sequence and biophysical properties (such as structural, functional, and spatial information, amino acid conservation, physicochemical variation, residue mobility, and thermodynamic stability) has been performed for this missense variant. However, the output from this modeling did not meet the statistical confidence thresholds required to predict the impact of this variant on GABRB2 protein function. In summary, the available evidence is currently insufficient to determine the role of this variant in disease. Therefore, it has been classified as a Variant of Uncertain Significance.

Athena Diagnostics
Classification: Uncertain significance. Last evaluated: 2018-06-14. Review status: criteria provided, single submitter. Criteria: Athena Diagnostics Criteria. Collection method: clinical testing. Allele origin: germline.

GeneDx
Classification: Uncertain significance. Last evaluated: 2017-07-28. Review status: criteria provided, single submitter. Criteria: GeneDx Variant Classification (06012015). Collection method: clinical testing. Allele origin: germline. Affected: yes.
Comment: A variant of uncertain significance has been identified in the GABRB2 gene. The H401R variant has not been published as a pathogenic variant, nor has it been reported as a benign variant to our knowledge. The H401R variant is not observed in large population cohorts (Lek et al., 2016; 1000 Genomes Consortium et al., 2015; Exome Variant Server). This substitution occurs at a position that is conserved in mammals. However, the H401R variant is a conservative amino acid substitution, which is not likely to impact secondary protein structure as these residues share similar properties. In silico analysis is inconsistent in its predictions as to whether or not the variant is damaging to the protein structure/function. Therefore, based on the currently available information, it is unclear whether this variant is a pathogenic variant or a rare benign variant.